The following is an entry in ClinVar:

NM_198282.4(STING1):c.1093A>G (p.Ile365Val)

Gene: STING1 (stimulator of interferon response cGAMP interactor 1; minus strand). Cytogenetic location: 5q31.2.
Variant type: single nucleotide variant.
Coding change: c.1093A>G on transcript NM_198282.4 (MANE Select); coding-DNA position 1093, A replaced by G.
Protein change: p.Ile365Val; replaces isoleucine 365 with valine.
Molecular consequence: missense variant. On other transcripts: 3 prime UTR variant (1).
Genome position (GRCh38, 1-based): chr5:139,476,308, T>C on the plus strand (A>G on the coding strand, the complement: STING1 is on the minus strand). VCF-style: chr5-139476308-T-C. GRCh37 (hg19) VCF-style: chr5-138855893-T-C.
Other names: c.*54A>G (NM_001301738.2); c.736A>G, p.Ile246Val (NM_001367258.1); short protein forms I246V, I365V.
Identifiers: ClinVar variation 4696535 (VCV004696535.1).

ClinVar aggregate classification (germline): Uncertain significance (1 of 4 stars; one submission).

Conditions:
STING-associated vasculopathy with onset in infancy. Also called: Sting-associated vasculopathy, infantile-onset. Identifiers: Orphanet 425120, MedGen C4014722, MONDO:0014405, OMIM 615934.

Submission:

Labcorp Genetics (formerly Invitae), Labcorp
Classification: Uncertain significance for STING-associated vasculopathy with onset in infancy. Last evaluated: 2025-12-30. Review status: criteria provided, single submitter. Criteria: Invitae Variant Classification Sherloc (09022015). Collection method: clinical testing. Allele origin: germline.
Comment: This sequence change replaces isoleucine, which is neutral and non-polar, with valine, which is neutral and non-polar, at codon 365 of the TMEM173 protein (p.Ile365Val). This variant is not present in population databases (gnomAD no frequency). This variant has not been reported in the literature in individuals affected with TMEM173-related conditions. An algorithm developed to predict the effect of missense changes on protein structure and function (PolyPhen-2) suggests that this variant is likely to be disruptive. In summary, the available evidence is currently insufficient to determine the role of this variant in disease. Therefore, it has been classified as a Variant of Uncertain Significance.